The following is an entry in ClinVar:

NM_004813.4(PEX16):c.953-5T>A

Gene: PEX16 (peroxisomal biogenesis factor 16; minus strand). Cytogenetic location: 11p11.2.
Variant type: single nucleotide variant.
Coding change: c.953-5T>A on transcript NM_004813.4 (MANE Select); 5 bases into the intron before coding-DNA position 953, T replaced by A.
Molecular consequence: intron variant.
Genome position (GRCh38, 1-based): chr11:45,910,317, A>T on the plus strand (T>A on the coding strand, the complement: PEX16 is on the minus strand). VCF-style: chr11-45910317-A-T. GRCh37 (hg19) VCF-style: chr11-45931868-A-T.
Other names: c.953-140T>A (NM_057174.3).
Identifiers: ClinVar variation 2130257 (VCV002130257.4), dbSNP rs2494875591, ClinGen allele CA2580084109.

ClinVar aggregate classification (germline): Uncertain significance (1 of 4 stars; one submission).

Conditions:
Peroxisome biogenesis disorder. Identifiers: Orphanet 79189, MedGen C1832200, MONDO:0019234. Disease mechanism: loss of function.

Submission:

Labcorp Genetics (formerly Invitae), Labcorp
Classification: Uncertain significance for Peroxisome biogenesis disorder. Last evaluated: 2022-04-24. Review status: criteria provided, single submitter. Criteria: Invitae Variant Classification Sherloc (09022015). Collection method: clinical testing. Allele origin: germline.
Comment: In summary, the available evidence is currently insufficient to determine the role of this variant in disease. Therefore, it has been classified as a Variant of Uncertain Significance. Algorithms developed to predict the effect of sequence changes on RNA splicing suggest that this variant may disrupt the consensus splice site. This variant has not been reported in the literature in individuals affected with PEX16-related conditions. This variant is not present in population databases (gnomAD no frequency). This sequence change falls in intron 10 of the PEX16 gene. It does not directly change the encoded amino acid sequence of the PEX16 protein.